The following is an entry in ClinVar:

ClinVar aggregate classification (germline): Likely benign (1 of 4 stars; one submission).

Conditions:
PLXNA1-related disorder. Also called: PLXNA1-related condition.

Submission:

PreventionGenetics, part of Exact Sciences
Classification: Likely benign for PLXNA1-related condition. Last evaluated: 2025-10-10. Review status: criteria provided, single submitter. Criteria: ACMG Guidelines, 2015. Collection method: clinical testing. Allele origin: germline.
Comment: This variant is classified as likely benign based on ACMG/AMP sequence variant interpretation guidelines (Richards et al. 2015 PMID: 25741868, with internal and published modifications).

NM_032242.4(PLXNA1):c.1524G>A (p.Thr508=)

Gene: PLXNA1 (plexin A1; plus strand). Cytogenetic location: 3q21.3.
Variant type: single nucleotide variant.
Coding change: c.1524G>A on transcript NM_032242.4 (MANE Select); coding-DNA position 1524, G replaced by A.
Protein change: p.Thr508=; no amino-acid change (threonine 508 retained).
Molecular consequence: synonymous variant.
Genome position (GRCh38, 1-based): chr3:127,004,616, G>A. VCF-style: chr3-127004616-G-A. GRCh37 (hg19) VCF-style: chr3-126723459-G-A.
Identifiers: ClinVar variation 4995135 (VCV004995135.1).